The following is an entry in ClinVar:

ClinVar aggregate classification (germline): Uncertain significance. Review status: criteria provided, multiple submitters, no conflicts (2 of 4 stars). 2 submissions from 2 submitters: Uncertain significance (2). Last evaluated 2022-10-24.

Conditions:
Hereditary cancer-predisposing syndrome. Also called: Neoplastic Syndromes, Hereditary; Tumor predisposition; Hereditary neoplastic syndrome; Hereditary Cancer Syndrome. Identifiers: Orphanet 140162, MedGen C0027672, MeSH D009386, MONDO:0015356.

Allele frequency attached by ClinVar (database versions not stated): TOPMed 0.00001.

Submissions (2):

Ambry Genetics
Classification: Uncertain significance for Hereditary cancer-predisposing syndrome. Last evaluated: 2022-10-24. Review status: criteria provided, single submitter. Criteria: Ambry Variant Classification Scheme 2023. Collection method: clinical testing. Allele origin: germline.
Comment: The p.I393T variant (also known as c.1178T>C), located in coding exon 8 of the RAD50 gene, results from a T to C substitution at nucleotide position 1178. The isoleucine at codon 393 is replaced by threonine, an amino acid with similar properties. This amino acid position is conserved. In addition, this alteration is predicted to be tolerated by in silico analysis. Since supporting evidence is limited at this time, the clinical significance of this alteration remains unclear.

Labcorp Genetics (formerly Invitae), Labcorp
Classification: Uncertain significance for Hereditary cancer-predisposing syndrome. Last evaluated: 2018-03-28. Review status: criteria provided, single submitter. Criteria: Invitae Variant Classification Sherloc (09022015). Collection method: clinical testing. Allele origin: germline.
Comment: Algorithms developed to predict the effect of missense changes on protein structure and function (SIFT, PolyPhen-2, Align-GVGD) all suggest that this variant is likely to be tolerated, but these predictions have not been confirmed by published functional studies and their clinical significance is uncertain. This sequence change replaces isoleucine with threonine at codon 393 of the RAD50 protein (p.Ile393Thr). The isoleucine residue is moderately conserved and there is a moderate physicochemical difference between isoleucine and threonine. This variant is not present in population databases (ExAC no frequency). This variant has not been reported in the literature in individuals with RAD50-related disease. In summary, the available evidence is currently insufficient to determine the role of this variant in disease. Therefore, it has been classified as a Variant of Uncertain Significance.

NM_005732.4(RAD50):c.1178T>C (p.Ile393Thr)

Gene: RAD50 (RAD50 double strand break repair protein; plus strand). Cytogenetic location: 5q31.1.
Variant type: single nucleotide variant.
Coding change: c.1178T>C on transcript NM_005732.4 (MANE Select); coding-DNA position 1178, T replaced by C.
Protein change: p.Ile393Thr; replaces isoleucine 393 with threonine.
Molecular consequence: missense variant.
Genome position (GRCh38, 1-based): chr5:132,588,813, T>C. VCF-style: chr5-132588813-T-C. GRCh37 (hg19) VCF-style: chr5-131924505-T-C.
Other names: short protein forms I393T.
Identifiers: ClinVar variation 568445 (VCV000568445.11), dbSNP rs1442554759, ClinGen allele CA360942803.
Genomic context (GRCh38, chr5:132,588,813, plus strand): 5'-CTTTGGCAACACAGCTAGAATTGGATGGCTTTGAGCGTGGACCATTCAGTGAAAGACAGA[T>C]TAAAAATTTTCACAAACTTGTGAGAGAGAGACAAGAAGGGGAAGCAAAAACTGCCAACCA-3'
Protein context (NP_005723.2, residues 383-403): FERGPFSERQ[Ile393Thr]KNFHKLVRER